The following is an entry in ClinVar:

NM_001365951.3(KIF1B):c.5311T>C (p.Cys1771Arg)

Gene: KIF1B (kinesin family member 1B; plus strand). Cytogenetic location: 1p36.22.
Variant type: single nucleotide variant.
Coding change: c.5311T>C on transcript NM_001365951.3 (MANE Select); coding-DNA position 5311, T replaced by C.
Protein change: p.Cys1771Arg; replaces cysteine 1771 with arginine.
Molecular consequence: missense variant.
Genome position (GRCh38, 1-based): chr1:10,375,276, T>C. VCF-style: chr1-10375276-T-C. GRCh37 (hg19) VCF-style: chr1-10435334-T-C.
Other names: c.5311T>C, p.Cys1771Arg (NM_001365952.1); c.5173T>C, p.Cys1725Arg (NM_015074.3); short protein forms C1725R, C1771R.
Identifiers: ClinVar variation 2561695 (VCV002561695.3), dbSNP rs1239071144, ClinGen allele CA338331696.

ClinVar aggregate classification (germline): Uncertain significance. Review status: criteria provided, multiple submitters, no conflicts (2 of 4 stars). 2 submissions from 2 submitters: Uncertain significance (2). Last evaluated 2026-01-17.

Conditions:
Charcot-Marie-Tooth disease type 2. Also called: Charcot-Marie-Tooth type 2. Identifiers: Orphanet 64746, MedGen C0270914, MONDO:0018993.

Allele frequency attached by ClinVar (database versions not stated): gnomAD exomes 0.00001; TOPMed below 0.00001.
gnomAD v4.1: 8 of 1,614,218 alleles (0.0005%); highest among the groups gnomAD compares: Non-Finnish European, 0.00068%; no homozygotes.

Submissions (2):

Labcorp Genetics (formerly Invitae), Labcorp
Classification: Uncertain significance for Charcot-Marie-Tooth disease type 2. Last evaluated: 2026-01-17. Review status: criteria provided, single submitter. Criteria: Invitae Variant Classification Sherloc (09022015). Collection method: clinical testing. Allele origin: germline.
Comment: This sequence change replaces cysteine, which is neutral and slightly polar, with arginine, which is basic and polar, at codon 1725 of the KIF1B protein (p.Cys1725Arg). This variant is present in population databases (no rsID available, gnomAD 0.0009%). This variant has not been reported in the literature in individuals affected with KIF1B-related conditions. ClinVar contains an entry for this variant (Variation ID: 2561695). An algorithm developed to predict the effect of missense changes on protein structure and function (PolyPhen-2) suggests that this variant is likely to be tolerated. In summary, the available evidence is currently insufficient to determine the role of this variant in disease. Therefore, it has been classified as a Variant of Uncertain Significance.

Ambry Genetics
Classification: Uncertain significance. Last evaluated: 2023-05-17. Review status: criteria provided, single submitter. Criteria: Ambry Variant Classification Scheme 2023. Collection method: clinical testing. Allele origin: germline.
Comment: The p.C1725R variant (also known as c.5173T>C), located in coding exon 45 of the KIF1B gene, results from a T to C substitution at nucleotide position 5173. The cysteine at codon 1725 is replaced by arginine, an amino acid with highly dissimilar properties. This amino acid position is well conserved in available vertebrate species. In addition, the in silico prediction for this alteration is inconclusive. The evidence for this gene-disease relationship is limited; therefore, the clinical significance of this alteration is unclear.